The following is an entry in ClinVar:

NM_006231.4(POLE):c.2027-1G>A

Gene: POLE (DNA polymerase epsilon, catalytic subunit; minus strand). Cytogenetic location: 12q24.33.
Variant type: single nucleotide variant.
Coding change: c.2027-1G>A on transcript NM_006231.4 (MANE Select); the canonical splice acceptor site of the intron before coding-DNA position 2027, G replaced by A.
Molecular consequence: splice acceptor variant.
Genome position (GRCh38, 1-based): chr12:132,668,503, C>T on the plus strand (G>A on the coding strand, the complement: POLE is on the minus strand). VCF-style: chr12-132668503-C-T. GRCh37 (hg19) VCF-style: chr12-133245089-C-T.
Identifiers: ClinVar variation 2130155 (VCV002130155.4), dbSNP rs2135976472, ClinGen allele CA387354498.

ClinVar aggregate classification (germline): Likely pathogenic (1 of 4 stars; one submission).

Submission:

Labcorp Genetics (formerly Invitae), Labcorp
Classification: Likely pathogenic. Last evaluated: 2023-03-14. Review status: criteria provided, single submitter. Criteria: Invitae Variant Classification Sherloc (09022015). Collection method: clinical testing. Allele origin: germline.
Comment: This variant is not present in population databases (gnomAD no frequency). This sequence change affects an acceptor splice site in intron 18 of the POLE gene. It is expected to disrupt RNA splicing. Variants that disrupt the donor or acceptor splice site typically lead to a loss of protein function (PMID: 16199547), and loss-of-function variants in POLE are known to be pathogenic (PMID: 23230001, 25948378, 30503519). In summary, the currently available evidence indicates that the variant is pathogenic, but additional data are needed to prove that conclusively. Therefore, this variant has been classified as Likely Pathogenic. Algorithms developed to predict the effect of sequence changes on RNA splicing suggest that this variant may disrupt the consensus splice site. ClinVar contains an entry for this variant (Variation ID: 2130155). This variant has not been reported in the literature in individuals affected with POLE-related conditions.

Literature cited by the submitters: PubMed 16199547; PubMed 23230001; PubMed 25948378; PubMed 30503519.